The following is an entry in ClinVar:

ClinVar aggregate classification (germline): Uncertain significance (1 of 4 stars; one submission).

Conditions:
Nemaline myopathy 6 (NEM6). Also called: Nemaline myopathy 6, autosomal dominant. Identifiers: Orphanet 171439, MedGen C1836472, MONDO:0012237, OMIM 609273.

gnomAD v4.1: 2 of 1,500,784 alleles (0.00013%); highest among the groups gnomAD compares: African/African-American, 0.0014%; no homozygotes.

Submission:

Labcorp Genetics (formerly Invitae), Labcorp
Classification: Uncertain significance for Nemaline myopathy 6. Last evaluated: 2025-12-10. Review status: criteria provided, single submitter. Criteria: Invitae Variant Classification Sherloc (09022015). Collection method: clinical testing. Allele origin: germline.
Comment: This sequence change creates a premature translational stop signal (p.Glu182*) in the KBTBD13 gene. While this is not anticipated to result in nonsense mediated decay, it is expected to disrupt the last 277 amino acid(s) of the KBTBD13 protein. This variant is not present in population databases (gnomAD no frequency). This variant has not been reported in the literature in individuals affected with KBTBD13-related conditions. ClinVar contains an entry for this variant (Variation ID: 953468). In summary, the available evidence is currently insufficient to determine the role of this variant in disease. Therefore, it has been classified as a Variant of Uncertain Significance.

NM_001101362.3(KBTBD13):c.544G>T (p.Glu182Ter)

Gene: KBTBD13 (kelch repeat and BTB domain containing 13; plus strand). Cytogenetic location: 15q22.31.
Variant type: single nucleotide variant.
Coding change: c.544G>T on transcript NM_001101362.3 (MANE Select); coding-DNA position 544, G replaced by T.
Protein change: p.Glu182Ter; replaces glutamic acid 182 with a stop codon.
Molecular consequence: nonsense.
Genome position (GRCh38, 1-based): chr15:65,077,359, G>T. VCF-style: chr15-65077359-G-T. GRCh37 (hg19) VCF-style: chr15-65369697-G-T.
Other names: short protein forms E182*.
Identifiers: ClinVar variation 953468 (VCV000953468.7), dbSNP rs952061379, ClinGen allele CA392861414.